The following is an entry in ClinVar:

NM_032581.4(HYCC1):c.921A>G (p.Pro307=)

Gene: HYCC1 (hyccin PI4KA lipid kinase complex subunit 1; minus strand). Cytogenetic location: 7p15.3.
Variant type: single nucleotide variant.
Coding change: c.921A>G on transcript NM_032581.4 (MANE Select); coding-DNA position 921, A replaced by G.
Protein change: p.Pro307=; no amino-acid change (proline 307 retained).
Molecular consequence: synonymous variant.
Genome position (GRCh38, 1-based): chr7:22,960,326, T>C on the plus strand (A>G on the coding strand, the complement: HYCC1 is on the minus strand). VCF-style: chr7-22960326-T-C. GRCh37 (hg19) VCF-style: chr7-22999945-T-C.
Other names: c.921A>G, p.Pro307= (NM_001363466.2, NM_001363467.2).
Identifiers: ClinVar variation 3048857 (VCV003048857.2), dbSNP rs756679984, ClinGen allele CA4185868.

ClinVar aggregate classification (germline): Likely benign (0 of 4 stars; one submission).

Conditions:
HYCC1-related disorder. Also called: HYCC1-related condition.

Allele frequency attached by ClinVar (database versions not stated): gnomAD exomes below 0.00001; ExAC 0.00002; TOPMed 0.00002; gnomAD 0.00004.
gnomAD v4.1: 8 of 1,613,490 alleles (0.0005%); highest among the groups gnomAD compares: African/African-American, 0.0093%; no homozygotes.

Submission:

PreventionGenetics, part of Exact Sciences
Classification: Likely benign for HYCC1-related condition. Last evaluated: 2019-11-26. Review status: no assertion criteria provided. Collection method: clinical testing. Allele origin: germline.
Comment: This variant is classified as likely benign based on ACMG/AMP sequence variant interpretation guidelines (Richards et al. 2015 PMID: 25741868, with internal and published modifications).